The following is an entry in ClinVar:

NM_002454.3(MTRR):c.-26+14C>T

Genes: MTRR (5-methyltetrahydrofolate-homocysteine methyltransferase reductase; plus strand), LOC129993631 (ATAC-STARR-seq lymphoblastoid silent region 15904; plus strand). Cytogenetic location: 5p15.31.
Variant type: single nucleotide variant.
Coding change: c.-26+14C>T on transcript NM_002454.3 (MANE Select); 14 bases into the intron after 26 bases upstream of the start codon, C replaced by T.
Molecular consequence: intron variant. On other transcripts: 5 prime UTR variant (3).
Genome position (GRCh38, 1-based): chr5:7,869,229, C>T. VCF-style: chr5-7869229-C-T. GRCh37 (hg19) VCF-style: chr5-7869342-C-T.
Other names: c.-853C>T (NM_001364440.2); c.-515C>T (NM_001364441.2); c.-95C>T (NM_001364442.2); c.-26+40C>T (NM_024010.4).
Identifiers: ClinVar variation 354341 (VCV000354341.5), dbSNP rs368193742, ClinGen allele CA3195429.

ClinVar aggregate classification (germline): Conflicting classifications of pathogenicity. Review status: criteria provided, conflicting classifications (1 of 4 stars). 2 submissions from 2 submitters: Uncertain significance (1); Likely benign (1). Last evaluated 2018-03-16.

Conditions:
Disorders of Intracellular Cobalamin Metabolism. Identifiers: MedGen CN043592.

Allele frequency attached by ClinVar (database versions not stated): ESP Exome Variant Server 0.00008; ExAC 0.00009; gnomAD 0.00014 and 0.00017; gnomAD exomes 0.00016; TOPMed 0.00022.
gnomAD v4.1: 408 of 1,603,684 alleles (0.025%); highest among the groups gnomAD compares: Middle Eastern, 0.033%; 1 homozygote.

Submissions (2):

GeneDx
Classification: Likely benign. Last evaluated: 2018-03-16. Review status: criteria provided, single submitter. Criteria: GeneDx Variant Classification (06012015). Collection method: clinical testing. Allele origin: germline. Affected: yes.
Comment: This variant is considered likely benign or benign based on one or more of the following criteria: it is a conservative change, it occurs at a poorly conserved position in the protein, it is predicted to be benign by multiple in silico algorithms, and/or has population frequency not consistent with disease.

Illumina Laboratory Services, Illumina
Classification: Uncertain significance for Disorders of Intracellular Cobalamin Metabolism. Last evaluated: 2018-01-13. Review status: criteria provided, single submitter. Criteria: ICSL Variant Classification Criteria 13 December 2019. Collection method: clinical testing. Allele origin: germline.